The following is an entry in ClinVar:

NM_032043.3(BRIP1):c.407C>A (p.Ala136Glu)

Gene: BRIP1 (BRCA1 interacting DNA helicase 1; minus strand). Cytogenetic location: 17q23.2.
Variant type: single nucleotide variant.
Coding change: c.407C>A on transcript NM_032043.3 (MANE Select); coding-DNA position 407, C replaced by A.
Protein change: p.Ala136Glu; replaces alanine 136 with glutamic acid.
Molecular consequence: missense variant.
Genome position (GRCh38, 1-based): chr17:61,849,229, G>T on the plus strand (C>A on the coding strand, the complement: BRIP1 is on the minus strand). VCF-style: chr17-61849229-G-T. GRCh37 (hg19) VCF-style: chr17-59926590-G-T.
Other names: short protein forms A136E.
Identifiers: ClinVar variation 1737607 (VCV001737607.8), dbSNP rs2545421761, ClinGen allele CA400484564.

ClinVar aggregate classification (germline): Uncertain significance. Review status: criteria provided, multiple submitters, no conflicts (2 of 4 stars). 2 submissions from 2 submitters: Uncertain significance (2). Last evaluated 2024-09-24.

Conditions:
Hereditary cancer-predisposing syndrome. Also called: Neoplastic Syndromes, Hereditary; Tumor predisposition; Hereditary Cancer Syndrome; Hereditary neoplastic syndrome. Identifiers: Orphanet 140162, MedGen C0027672, MeSH D009386, MONDO:0015356.
Fanconi anemia complementation group J. Also called: BRIP1-Related Fanconi Anemia. Identifiers: Orphanet 84, MedGen C1836860, MONDO:0012187, OMIM 609054.
Familial cancer of breast. Also called: BREAST CANCER, FAMILIAL; Hereditary breast cancer; hereditary breast carcinoma. Identifiers: Orphanet 227535, MedGen C0346153, MONDO:0016419, OMIM 114480. Disease mechanism: loss of function.

Submissions (2):

Ambry Genetics
Classification: Uncertain significance for Hereditary cancer-predisposing syndrome. Last evaluated: 2024-09-24. Review status: criteria provided, single submitter. Criteria: Ambry Variant Classification Scheme 2023. Collection method: clinical testing. Allele origin: germline.
Comment: The p.A136E variant (also known as c.407C>A), located in coding exon 4 of the BRIP1 gene, results from a C to A substitution at nucleotide position 407. The alanine at codon 136 is replaced by glutamic acid, an amino acid with dissimilar properties. This amino acid position is well conserved in available vertebrate species. In addition, this alteration is predicted to be tolerated by in silico analysis. Based on the available evidence, the clinical significance of this variant remains unclear.

Labcorp Genetics (formerly Invitae), Labcorp
Classification: Uncertain significance for Familial cancer of breast; Fanconi anemia complementation group J. Last evaluated: 2022-04-29. Review status: criteria provided, single submitter. Criteria: Invitae Variant Classification Sherloc (09022015). Collection method: clinical testing. Allele origin: germline.
Comment: In summary, the available evidence is currently insufficient to determine the role of this variant in disease. Therefore, it has been classified as a Variant of Uncertain Significance. Algorithms developed to predict the effect of missense changes on protein structure and function are either unavailable or do not agree on the potential impact of this missense change (SIFT: "Tolerated"; PolyPhen-2: "Possibly Damaging"; Align-GVGD: "Class C0"). This variant has not been reported in the literature in individuals affected with BRIP1-related conditions. This variant is not present in population databases (gnomAD no frequency). This sequence change replaces alanine, which is neutral and non-polar, with glutamic acid, which is acidic and polar, at codon 136 of the BRIP1 protein (p.Ala136Glu).